The following is an entry in ClinVar:

NM_000142.5(FGFR3):c.2271C>T (p.Thr757=)

Gene: FGFR3 (fibroblast growth factor receptor 3; plus strand). Cytogenetic location: 4p16.3.
Variant type: single nucleotide variant.
Coding change: c.2271C>T on transcript NM_000142.5 (MANE Select); coding-DNA position 2271, C replaced by T.
Protein change: p.Thr757=; no amino-acid change (threonine 757 retained).
Molecular consequence: synonymous variant. On other transcripts: nonsense (1), non-coding transcript variant (1).
Genome position (GRCh38, 1-based): chr4:1,806,931, C>T. VCF-style: chr4-1806931-C-T. GRCh37 (hg19) VCF-style: chr4-1808658-C-T.
Other names: c.2277C>T, p.Thr759= (NM_001163213.2); c.2274C>T, p.Thr758= (NM_001354809.2); c.2203C>T, p.Arg735Ter (NM_001354810.2); c.1935C>T, p.Thr645= (NM_022965.4); short protein forms R735*.
Identifiers: ClinVar variation 3353883 (VCV003353883.4).

ClinVar aggregate classification (germline): Conflicting classifications of pathogenicity. Review status: criteria provided, conflicting classifications (1 of 4 stars). 2 submissions from 2 submitters: Uncertain significance (1); Likely benign (1). Last evaluated 2025-05-12.

Conditions:
FGFR3-related disorder. Also called: FGFR3-related disorders.

gnomAD v4.1: 53 of 1,603,288 alleles (0.0033%); highest among the groups gnomAD compares: Middle Eastern, 0.016%; no homozygotes.

Submissions (2):

Labcorp Genetics (formerly Invitae), Labcorp
Classification: Likely benign. Last evaluated: 2025-05-12. Review status: criteria provided, single submitter. Criteria: Invitae Variant Classification Sherloc (09022015). Collection method: clinical testing. Allele origin: germline.

PreventionGenetics, part of Exact Sciences
Classification: Uncertain significance for FGFR3-related condition. Last evaluated: 2025-03-10. Review status: criteria provided, single submitter. Criteria: ACMG Guidelines, 2015. Collection method: clinical testing. Allele origin: germline.
Comment: The FGFR3 c.2203C>T variant is predicted to result in premature protein termination (p.Arg735*). Using the primary transcript (NM_000142), this variant is described as FGFR3: c.2271C>T (p.=), which is not predicted to impact splicing based on available splicing prediction programs (SpliceAI, Jaganathan et al. 2019. PubMed ID: 30661751. To our knowledge, this variant has not been reported in the literature. This variant is reported in 0.0035% of alleles in individuals of South Asian descent in gnomAD. At this time, the clinical significance of this variant is uncertain due to the absence of conclusive functional and genetic evidence.